The following is an entry in ClinVar:

NM_018026.4(PACS1):c.2381C>T (p.Ala794Val)

Gene: PACS1 (phosphofurin acidic cluster sorting protein 1; plus strand). Cytogenetic location: 11q13.2.
Variant type: single nucleotide variant.
Coding change: c.2381C>T on transcript NM_018026.4 (MANE Select); coding-DNA position 2381, C replaced by T.
Protein change: p.Ala794Val; replaces alanine 794 with valine.
Molecular consequence: missense variant.
Genome position (GRCh38, 1-based): chr11:66,239,229, C>T. VCF-style: chr11-66239229-C-T. GRCh37 (hg19) VCF-style: chr11-66006700-C-T.
Other names: short protein forms A794V.
Identifiers: ClinVar variation 3027347 (VCV003027347.22), dbSNP rs2134748864, ClinGen allele CA381380256.

ClinVar aggregate classification (germline): Uncertain significance (1 of 4 stars; one submission).

Submission:

CeGaT Center for Human Genetics Tuebingen
Classification: Uncertain significance. Last evaluated: 2024-02-01. Review status: criteria provided, single submitter. Criteria: CeGaT Center For Human Genetics Tuebingen Variant Classification Criteria Version 2. Collection method: clinical testing. Allele origin: germline. Affected: yes. Observed: 1 variant allele.
Comment: PACS1: PM2, BP4